The following is an entry in ClinVar:

ClinVar aggregate classification (germline): Uncertain significance. Review status: criteria provided, multiple submitters, no conflicts (2 of 4 stars). 2 submissions from 2 submitters: Uncertain significance (2). Last evaluated 2026-01-09.

Conditions:
Glycogen storage disease IXd (GSD9D). Also called: GSD IXd; Muscle Phosphorylase Kinase Deficiency. Identifiers: Orphanet 715, MedGen C1845151, MONDO:0010362, OMIM 300559.

Allele frequency attached by ClinVar (database versions not stated): gnomAD exomes below 0.00001; gnomAD 0.00001; ExAC 0.00002.

Submissions (2):

Labcorp Genetics (formerly Invitae), Labcorp
Classification: Uncertain significance for Glycogen storage disease IXd. Last evaluated: 2026-01-09. Review status: criteria provided, single submitter. Criteria: Invitae Variant Classification Sherloc (09022015). Collection method: clinical testing. Allele origin: germline.
Comment: This sequence change replaces histidine, which is basic and polar, with tyrosine, which is neutral and polar, at codon 670 of the PHKA1 protein (p.His670Tyr). This variant is present in population databases (rs782493301, gnomAD 0.02%). This variant has not been reported in the literature in individuals affected with PHKA1-related conditions. ClinVar contains an entry for this variant (Variation ID: 2167113). Invitae Evidence Modeling of protein sequence and biophysical properties (such as structural, functional, and spatial information, amino acid conservation, physicochemical variation, residue mobility, and thermodynamic stability) indicates that this missense variant is not expected to disrupt PHKA1 protein function with a negative predictive value of 80%. In summary, the available evidence is currently insufficient to determine the role of this variant in disease. Therefore, it has been classified as a Variant of Uncertain Significance.

Dasa
Classification: Uncertain significance. Last evaluated: 2024-07-02. Review status: criteria provided, single submitter. Criteria: DASA Assertion Criteria. Collection method: clinical testing. Allele origin: germline.
Comment: NM_002637.4(PHKA1):c.2008C>T (p.His670Tyr) is a missense variant that results in the substitution of histidine with tyrosine. This variant is rare in population databases. The currently available literature and clinical evidence are not sufficient to establish a definitive association between this variant and the reported condition. Therefore, this variant is classified as a variant of uncertain significance.

NM_002637.4(PHKA1):c.2008C>T (p.His670Tyr)

Gene: PHKA1 (phosphorylase kinase regulatory subunit alpha 1; minus strand). Cytogenetic location: Xq13.1.
Variant type: single nucleotide variant.
Coding change: c.2008C>T on transcript NM_002637.4 (MANE Select); coding-DNA position 2008, C replaced by T.
Protein change: p.His670Tyr; replaces histidine 670 with tyrosine.
Molecular consequence: missense variant. On other transcripts: intron variant (1).
Genome position (GRCh38, 1-based): chrX:72,620,854, G>A on the plus strand (C>T on the coding strand, the complement: PHKA1 is on the minus strand). VCF-style: chrX-72620854-G-A. GRCh37 (hg19) VCF-style: chrX-71840704-G-A.
Other names: c.2008C>T, p.His670Tyr (NM_001122670.2); c.1961-1549C>T (NM_001172436.2); short protein forms H670Y.
Identifiers: ClinVar variation 2167113 (VCV002167113.6), dbSNP rs782493301, ClinGen allele CA10450780.
Genomic context (GRCh38, chrX:72,620,854, plus strand): 5'-GGAACCGATCTAGCCCTCCCTTCTGTGAGGTAGGGGCTAGTTTAGGATGGGGAGCAGTGT[G>A]CGCCAAAAGGTGATCTAAATAACGAGCAACTTCATCACCACAGCGAGCTGCAAGGTTAGT-3'
Protein context (NP_002628.2, residues 660-680): VARYLDHLLA[His670Tyr]TAPHPKLAPT